The following is an entry in ClinVar:

ClinVar aggregate classification (germline): Likely pathogenic (1 of 4 stars; one submission).

Conditions:
Hereditary spastic paraplegia 4. Also called: Spastic paraplegia 4, autosomal dominant; Familial spastic paraplegia autosomal dominant 2; Spastic Paraplegia 4. Identifiers: Orphanet 100985, MedGen C1866855, MONDO:0008438, OMIM 182601.

Submission:

Juno Genomics, Hangzhou Juno Genomics, Inc
Classification: Likely pathogenic for Hereditary spastic paraplegia 4. Review status: criteria provided, single submitter. Criteria: ACMG Guidelines, 2015. Collection method: clinical testing. Allele origin: germline.
Comment: Null variant in a gene where loss of function (LOF) is a known mechanism of disease.;Absent from controls (or at extremely low frequency if recessive) in Genome Aggregation Database.

NM_014946.4(SPAST):c.114_118dup (p.Pro40fs)

Gene: SPAST (spastin; plus strand). Cytogenetic location: 2p22.3.
Variant type: Duplication.
Coding change: c.114_118dup on transcript NM_014946.4 (MANE Select); coding-DNA positions 114 to 118, 5 bases duplicated (GGCCC; older notation c.114_118dupGGCCC).
Protein change: p.Pro40fs; shifts the reading frame from proline 40.
Molecular consequence: frameshift variant.
Genome position (GRCh38, 1-based): chr2:32,063,945-32,063,949, GGCCC duplicated; duplicating any 5 consecutive bases within chr2:32,063,943-32,063,949 gives the same sequence; the c. name uses the placement nearest the transcript's 3' end. VCF-style (leftmost placement, unchanged base first): chr2-32063942-G-GCCGGC. GRCh37 (hg19) VCF-style: chr2-32289011-G-GCCGGC.
Other names: c.114_118dup, p.Pro40fs (NM_001363823.2, NM_001363875.2, NM_001377959.1 and 1 more transcripts); short protein forms P40fs.
Identifiers: ClinVar variation 5006285 (VCV005006285.2).